The following is an entry in ClinVar:

ClinVar aggregate classification (germline): Uncertain significance (1 of 4 stars; one submission).

Conditions:
Immunodeficiency, common variable, 7. Identifiers: Orphanet 1572, Orphanet 696894, MedGen C3542922, MONDO:0013862, OMIM 614699.

Submission:

Labcorp Genetics (formerly Invitae), Labcorp
Classification: Uncertain significance for Immunodeficiency, common variable, 7. Last evaluated: 2021-08-31. Review status: criteria provided, single submitter. Criteria: Invitae Variant Classification Sherloc (09022015). Collection method: clinical testing. Allele origin: germline.
Comment: This sequence change replaces alanine with proline at codon 1033 of the CR2 protein (p.Ala1033Pro). The alanine residue is weakly conserved and there is a small physicochemical difference between alanine and proline. This variant is not present in population databases (ExAC no frequency). This variant has not been reported in the literature in individuals affected with CR2-related conditions. Algorithms developed to predict the effect of missense changes on protein structure and function (SIFT, PolyPhen-2, Align-GVGD) all suggest that this variant is likely to be tolerated. In summary, the available evidence is currently insufficient to determine the role of this variant in disease. Therefore, it has been classified as a Variant of Uncertain Significance.

NM_001006658.3(CR2):c.3097G>C (p.Ala1033Pro)

Gene: CR2 (complement C3d receptor 2; plus strand). Cytogenetic location: 1q32.2.
Variant type: single nucleotide variant.
Coding change: c.3097G>C on transcript NM_001006658.3 (MANE Select); coding-DNA position 3097, G replaced by C.
Protein change: p.Ala1033Pro; replaces alanine 1033 with proline.
Molecular consequence: missense variant.
Genome position (GRCh38, 1-based): chr1:207,479,265, G>C. VCF-style: chr1-207479265-G-C. GRCh37 (hg19) VCF-style: chr1-207652610-G-C.
Other names: c.2920G>C, p.Ala974Pro (NM_001877.5); short protein forms A1033P, A974P.
Identifiers: ClinVar variation 955777 (VCV000955777.6), dbSNP rs1215462377, ClinGen allele CA344541991.